The following is an entry in ClinVar:

NM_000321.3(RB1):c.968A>G (p.Glu323Gly)

Gene: RB1 (RB transcriptional corepressor 1; plus strand). Cytogenetic location: 13q14.2.
Variant type: single nucleotide variant.
Coding change: c.968A>G on transcript NM_000321.3 (MANE Select); coding-DNA position 968, A replaced by G.
Protein change: p.Glu323Gly; replaces glutamic acid 323 with glycine.
Molecular consequence: missense variant.
Genome position (GRCh38, 1-based): chr13:48,367,522, A>G. VCF-style: chr13-48367522-A-G. GRCh37 (hg19) VCF-style: chr13-48941658-A-G.
Other names: c.968A>G, p.Glu323Gly (NM_001407165.1, NM_001407166.1); short protein forms E323G.
Identifiers: ClinVar variation 4151172 (VCV004151172.1).
Genomic context (GRCh38, chr13:48,367,522, plus strand): 5'-AGGATAATTGTCAGTGACTTTTTTCTTTCAAGGTTGAAAATCTTTCTAAACGATACGAAG[A>G]AATTTATCTTAAAAATAAAGATCTAGATGCAAGATTATTTTTGGATCATGATAAAACTCT-3'
Protein context (NP_000312.2, residues 313-333): EVENLSKRYE[Glu323Gly]IYLKNKDLDA

ClinVar aggregate classification (germline): Uncertain significance (1 of 4 stars; one submission).

Conditions:
Hereditary cancer-predisposing syndrome. Also called: Hereditary neoplastic syndrome; Neoplastic Syndromes, Hereditary; Tumor predisposition; Hereditary Cancer Syndrome. Identifiers: Orphanet 140162, MedGen C0027672, MeSH D009386, MONDO:0015356.

gnomAD v4.1: 2 of 1,604,594 alleles (0.00012%); highest among the groups gnomAD compares: Non-Finnish European, 0.00017%; no homozygotes.

Submission:

Ambry Genetics
Classification: Uncertain significance for Hereditary cancer-predisposing syndrome. Last evaluated: 2025-07-07. Review status: criteria provided, single submitter. Criteria: Ambry Variant Classification Scheme 2023. Collection method: clinical testing. Allele origin: germline.
Comment: The p.E323G variant (also known as c.968A>G), located in coding exon 10 of the RB1 gene, results from an A to G substitution at nucleotide position 968. The glutamic acid at codon 323 is replaced by glycine, an amino acid with similar properties. This amino acid position is well conserved in available vertebrate species. In addition, the in silico prediction for this alteration is inconclusive. Based on the available evidence, the clinical significance of this variant remains unclear.